The following is an entry in ClinVar:

NM_001903.5(CTNNA1):c.335C>G (p.Ala112Gly)

Gene: CTNNA1 (catenin alpha 1; plus strand). Cytogenetic location: 5q31.2.
Variant type: single nucleotide variant.
Coding change: c.335C>G on transcript NM_001903.5 (MANE Select); coding-DNA position 335, C replaced by G.
Protein change: p.Ala112Gly; replaces alanine 112 with glycine.
Molecular consequence: missense variant. On other transcripts: intron variant (1).
Genome position (GRCh38, 1-based): chr5:138,810,071, C>G. VCF-style: chr5-138810071-C-G. GRCh37 (hg19) VCF-style: chr5-138145760-C-G.
Other names: c.335C>G, p.Ala112Gly (NM_001290307.3, NM_001323982.2, NM_001323983.1 and 3 more transcripts); c.26C>G, p.Ala9Gly (NM_001290309.3); c.-5-30C>G (NM_001290310.3); c.335C>G (NM_001903.2); short protein forms A112G, A9G.
Identifiers: ClinVar variation 1510976 (VCV001510976.7), dbSNP rs1758517497, ClinGen allele CA361122917.

ClinVar aggregate classification (germline): Uncertain significance. Review status: criteria provided, multiple submitters, no conflicts (2 of 4 stars). 2 submissions from 2 submitters: Uncertain significance (2). Last evaluated 2024-04-09.

Conditions:
Hereditary cancer-predisposing syndrome. Also called: Hereditary neoplastic syndrome; Neoplastic Syndromes, Hereditary; Tumor predisposition; Hereditary Cancer Syndrome. Identifiers: Orphanet 140162, MedGen C0027672, MeSH D009386, MONDO:0015356.

Allele frequency attached by ClinVar (database versions not stated): gnomAD exomes below 0.00001; gnomAD 0.00001.
gnomAD v4.1: 5 of 1,613,346 alleles (0.00031%); highest among the groups gnomAD compares: Admixed American, 0.0017%; no homozygotes.

Submissions (2):

Ambry Genetics
Classification: Uncertain significance for Hereditary cancer-predisposing syndrome. Last evaluated: 2024-04-09. Review status: criteria provided, single submitter. Criteria: Ambry Variant Classification Scheme 2023. Collection method: clinical testing. Allele origin: germline.
Comment: The p.A112G variant (also known as c.335C>G), located in coding exon 3 of the CTNNA1 gene, results from a C to G substitution at nucleotide position 335. The alanine at codon 112 is replaced by glycine, an amino acid with similar properties. This amino acid position is conserved. In addition, the in silico prediction for this alteration is inconclusive. Based on the available evidence, the clinical significance of this variant remains unclear.

Labcorp Genetics (formerly Invitae), Labcorp
Classification: Uncertain significance. Last evaluated: 2022-01-27. Review status: criteria provided, single submitter. Criteria: Invitae Variant Classification Sherloc (09022015). Collection method: clinical testing. Allele origin: germline.
Comment: In summary, the available evidence is currently insufficient to determine the role of this variant in disease. Therefore, it has been classified as a Variant of Uncertain Significance. Algorithms developed to predict the effect of missense changes on protein structure and function are either unavailable or do not agree on the potential impact of this missense change (SIFT: "Deleterious"; PolyPhen-2: "Possibly Damaging"; Align-GVGD: "Class C0"). This variant has not been reported in the literature in individuals affected with CTNNA1-related conditions. This variant is not present in population databases (gnomAD no frequency). This sequence change replaces alanine, which is neutral and non-polar, with glycine, which is neutral and non-polar, at codon 112 of the CTNNA1 protein (p.Ala112Gly).